The following is an entry in ClinVar:

NM_000095.3(COMP):c.1200C>T (p.Gly400=)

Gene: COMP (cartilage oligomeric matrix protein; minus strand). Cytogenetic location: 19p13.11.
Variant type: single nucleotide variant.
Coding change: c.1200C>T on transcript NM_000095.3 (MANE Select); coding-DNA position 1200, C replaced by T.
Protein change: p.Gly400=; no amino-acid change (glycine 400 retained).
Molecular consequence: synonymous variant.
Genome position (GRCh38, 1-based): chr19:18,786,586, G>A on the plus strand (C>T on the coding strand, the complement: COMP is on the minus strand). VCF-style: chr19-18786586-G-A. GRCh37 (hg19) VCF-style: chr19-18897396-G-A.
Identifiers: ClinVar variation 890745 (VCV000890745.15), dbSNP rs201063220, ClinGen allele CA9316499.

ClinVar aggregate classification (germline): Conflicting classifications of pathogenicity. Review status: criteria provided, conflicting classifications (1 of 4 stars). 4 submissions from 3 submitters: Uncertain significance (1); Likely benign (3). Last evaluated 2026-01-01.

Conditions:
Multiple epiphyseal dysplasia type 1. Also called: COMP-Related Multiple Epiphyseal Dysplasia. Identifiers: Orphanet 93308, MedGen C1838280, MONDO:0007561, OMIM 132400.
Pseudoachondroplastic spondyloepiphyseal dysplasia syndrome (PSACH). Also called: COMP-Related Pseudoachondroplasia; PSEUDOACHONDROPLASTIC DYSPLASIA; Pseudoachondroplasia. Identifiers: Orphanet 750, MedGen C0410538, MONDO:0008322, OMIM 177170.

Allele frequency attached by ClinVar (database versions not stated): ExAC 0.00002; gnomAD 0.00003; TOPMed 0.00003; ESP Exome Variant Server 0.00008.
gnomAD v4.1: 28 of 1,613,864 alleles (0.0017%); highest among the groups gnomAD compares: Middle Eastern, 0.066%; no homozygotes.

Submissions (4):

CeGaT Center for Human Genetics Tuebingen
Classification: Likely benign. Last evaluated: 2026-01-01. Review status: criteria provided, single submitter. Criteria: CeGaT Center For Human Genetics Tuebingen Variant Classification Criteria Version 2. Collection method: clinical testing. Allele origin: germline. Affected: yes. Observed: 1 variant allele.
Comment: COMP: BP4, BP7

Labcorp Genetics (formerly Invitae), Labcorp
Classification: Likely benign. Last evaluated: 2024-05-07. Review status: criteria provided, single submitter. Criteria: Invitae Variant Classification Sherloc (09022015). Collection method: clinical testing. Allele origin: germline.

Illumina Laboratory Services, Illumina
Classification: Likely benign for Pseudoachondroplastic spondyloepiphyseal dysplasia syndrome. Last evaluated: 2018-01-12. Review status: criteria provided, single submitter. Criteria: ICSL Variant Classification Criteria 13 December 2019. Collection method: clinical testing. Allele origin: germline.
Comment: This variant was observed in the ICSL laboratory as part of a predisposition screen in an ostensibly healthy population. It had not been previously curated by ICSL or reported in the Human Gene Mutation Database (HGMD: prior to June 1st, 2018), and was therefore a candidate for classification through an automated scoring system. Utilizing variant allele frequency, disease prevalence and penetrance estimates, and inheritance mode, an automated score was calculated to assess if this variant is too frequent to cause the disease. Based on the score and internal cut-off values, a variant classified as likely benign is not then subjected to further curation. The score for this variant resulted in a classification of likely benign for this disease.

Illumina Laboratory Services, Illumina
Classification: Uncertain significance for Multiple epiphyseal dysplasia type 1. Last evaluated: 2018-01-12. Review status: criteria provided, single submitter. Criteria: ICSL Variant Classification Criteria 13 December 2019. Collection method: clinical testing. Allele origin: germline.